The following is an entry in ClinVar:

NM_001365999.1(SZT2):c.9776G>A (p.Arg3259Gln)

Genes: SZT2 (SZT2 subunit of KICSTOR complex; plus strand), SZT2-AS1 (SZT2 antisense RNA 1; minus strand). Cytogenetic location: 1p34.2.
Variant type: single nucleotide variant.
Coding change: c.9776G>A on transcript NM_001365999.1 (MANE Select); coding-DNA position 9776, G replaced by A.
Protein change: p.Arg3259Gln; replaces arginine 3259 with glutamine.
Molecular consequence: missense variant. On other transcripts: non-coding transcript variant (1).
Genome position (GRCh38, 1-based): chr1:43,448,291, G>A. VCF-style: chr1-43448291-G-A. GRCh37 (hg19) VCF-style: chr1-43913962-G-A.
Other names: c.9605G>A, p.Arg3202Gln (NM_015284.4); short protein forms R3259Q, R3202Q.
Identifiers: ClinVar variation 940835 (VCV000940835.9), dbSNP rs767883289, ClinGen allele CA811010.

ClinVar aggregate classification (germline): Uncertain significance. Review status: criteria provided, multiple submitters, no conflicts (2 of 4 stars). 2 submissions from 2 submitters: Uncertain significance (2). Last evaluated 2023-10-26.

Conditions:
Developmental and epileptic encephalopathy, 18 (DEE18). Also called: Early infantile epileptic encephalopathy 18. Identifiers: Orphanet 369894, MedGen C3809624, MONDO:0014201, OMIM 615476.

Allele frequency attached by ClinVar (database versions not stated): ExAC below 0.00001; gnomAD 0.00001; gnomAD exomes 0.00002 and 0.00003; TOPMed 0.00002.
gnomAD v4.1: 37 of 1,559,498 alleles (0.0024%); highest among the groups gnomAD compares: South Asian, 0.014%; no homozygotes.

Submissions (2):

Faculty of Engineering and Natural Sciences, Biruni University
Classification: Uncertain significance for Developmental and epileptic encephalopathy, 18. Last evaluated: 2023-10-26. Review status: criteria provided, single submitter. Criteria: ACMG Guidelines, 2015. Collection method: clinical testing. Allele origin: germline. Affected: yes. Observed: 1 variant allele.
Comment: In the GnonAD database, the frequency of this change is reported as 0.00001831 and is quite low(PM2). In-silico prediction tools show that the c.9776G>A variant in the SZT2 (NM_015284.4) gene causes a missense change from arginine to glycine in the 3202 region of the protein(BP4). The variation ID (Variation ID: 940835) has been assigned for this variant in ClinVar. Nevertheless, this change was reported as Variant of Uncertain Significance due to incomplete findings.

Labcorp Genetics (formerly Invitae), Labcorp
Classification: Uncertain significance. Last evaluated: 2022-02-03. Review status: criteria provided, single submitter. Criteria: Invitae Variant Classification Sherloc (09022015). Collection method: clinical testing. Allele origin: germline.
Comment: This sequence change replaces arginine, which is basic and polar, with glutamine, which is neutral and polar, at codon 3202 of the SZT2 protein (p.Arg3202Gln). This variant is present in population databases (rs767883289, gnomAD 0.008%). This variant has not been reported in the literature in individuals affected with SZT2-related conditions. ClinVar contains an entry for this variant (Variation ID: 940835). Algorithms developed to predict the effect of missense changes on protein structure and function (SIFT, PolyPhen-2, Align-GVGD) all suggest that this variant is likely to be tolerated. In summary, the available evidence is currently insufficient to determine the role of this variant in disease. Therefore, it has been classified as a Variant of Uncertain Significance.

Literature cited by the submitters: PubMed 28556953 (cited by Faculty of Engineering and Natural Sciences, Biruni University); PubMed 30560016 (cited by Faculty of Engineering and Natural Sciences, Biruni University); PubMed 30359774 (cited by Faculty of Engineering and Natural Sciences, Biruni University).